The following is an entry in ClinVar:

NM_007294.4(BRCA1):c.5467+5G>T

Gene: BRCA1 (BRCA1 DNA repair associated; minus strand). Cytogenetic location: 17q21.31.
Variant type: single nucleotide variant.
Coding change: c.5467+5G>T on transcript NM_007294.4 (MANE Select); 5 bases into the intron after coding-DNA position 5467, G replaced by T.
Molecular consequence: intron variant.
Genome position (GRCh38, 1-based): chr17:43,047,638, C>A on the plus strand (G>T on the coding strand, the complement: BRCA1 is on the minus strand). VCF-style: chr17-43047638-C-A. GRCh37 (hg19) VCF-style: chr17-41199655-C-A.
Other names: c.2014+5G>T (NM_001408458.1, NM_001408461.1, NM_001408464.1 and 7 more transcripts); c.4576+5G>T (NM_001407967.1); c.5086+5G>T (NM_001407959.1); c.5200+5G>T (NM_001407931.1, NM_001407932.1, NM_001407928.1 and 4 more transcripts); c.5323+5G>T (NM_001407747.1, NM_001407745.1, NM_001407737.1 and 18 more transcripts); c.5083+5G>T (NM_001407962.1, NM_001407960.1); c.1654+5G>T (NM_001408512.1); c.1777+5G>T (NM_001408510.1); and 83 more.
Identifiers: ClinVar variation 580140 (VCV000580140.17), dbSNP rs397509287, ClinGen allele CA891844097.

ClinVar aggregate classification (germline): Conflicting classifications of pathogenicity. Review status: criteria provided, conflicting classifications (1 of 4 stars). 3 submissions from 3 submitters: Likely pathogenic (1); Uncertain significance (2). Last evaluated 2026-04-02.

Conditions:
Hereditary breast ovarian cancer syndrome. Also called: Hereditary breast and ovarian cancer; Hereditary breast and ovarian cancer syndrome; Hereditary breast and ovarian cancer syndrome (HBOC); Breast and ovarian cancer; BRCA1- and BRCA2-Associated Hereditary Breast and Ovarian Cancer; Hereditary breast and/or ovarian cancer syndrome. Identifiers: Orphanet 145, MedGen C0677776, MeSH D061325, MONDO:0003582. Disease mechanism: loss of function.
Hereditary cancer-predisposing syndrome. Also called: Tumor predisposition; Neoplastic Syndromes, Hereditary; Hereditary Cancer Syndrome; Hereditary neoplastic syndrome. Identifiers: Orphanet 140162, MedGen C0027672, MeSH D009386, MONDO:0015356.

Submissions (4):

Ambry Genetics
Classification: Uncertain significance for Hereditary cancer-predisposing syndrome. Last evaluated: 2026-04-02. Review status: criteria provided, single submitter. Criteria: Ambry Variant Classification Scheme 2023. Collection method: clinical testing. Allele origin: germline.
Comment: The c.5467+5G>T intronic variant results from a G to T substitution 5 nucleotides after coding exon 21 in the BRCA1 gene. This nucleotide position is well conserved in available vertebrate species. In silico splice site analysis for this alteration is inconclusive. RNA studies have demonstrated that this alteration results in an incomplete splice defect; the clinical impact of this abnormal splicing is unknown at this time (Ambry internal data). Since supporting evidence is limited at this time, the clinical significance of this alteration remains unclear.

Labcorp Genetics (formerly Invitae), Labcorp
Classification: Likely pathogenic for Hereditary breast ovarian cancer syndrome. Last evaluated: 2024-12-15. Review status: criteria provided, single submitter. Criteria: Invitae Variant Classification Sherloc (09022015). Collection method: clinical testing. Allele origin: germline.
Comment: This sequence change falls in intron 22 of the BRCA1 gene. It does not directly change the encoded amino acid sequence of the BRCA1 protein. RNA analysis indicates that this variant induces altered splicing and may result in an absent or altered protein product. This variant is not present in population databases (gnomAD no frequency). This variant has not been reported in the literature in individuals affected with BRCA1-related conditions. ClinVar contains an entry for this variant (Variation ID: 580140). Algorithms developed to predict the effect of variants on gene product structure and function are not available or were not evaluated for this variant. Experimental studies are conflicting or provide insufficient evidence to determine the effect of this variant on BRCA1 function (PMID: 30209399). Variants that disrupt the consensus splice site are a relatively common cause of aberrant splicing (PMID: 17576681, 9536098). Studies have shown that this variant results in skipping of exon 22, and produces a non-functional protein and/or introduces a premature termination codon (internal data). In summary, the currently available evidence indicates that the variant is pathogenic, but additional data are needed to prove that conclusively. Therefore, this variant has been classified as Likely Pathogenic.

Quest Diagnostics Nichols Institute San Juan Capistrano
Classification: Uncertain significance. Last evaluated: 2024-06-25. Review status: criteria provided, single submitter. Criteria: Quest Diagnostics criteria. Collection method: clinical testing. Allele origin: unknown.
Comment: The BRCA1 c.5467+5G>T variant has not been reported in the published literature in individuals with BRCA1 related conditions. However, this variant has been shown to result in BRCA1 exon 23 skipping, however the effect of this aberrant splicing on protein function is unclear (PMID: 30101128 (2018)). In addition, one study showed this variant apparently retained intermediate functional activity in a large-scale study using a haploid cell line (PMID: 30209399 (2018)). This variant has not been reported in large, multi-ethnic general populations (Genome Aggregation Database). Analysis of this variant using software algorithms for the prediction of the effect of nucleotide changes on splicing yielded predictions that this variant may affect proper BRCA1 mRNA splicing. Based on the available information, we are unable to determine the clinical significance of this variant.

Brotman Baty Institute, University of Washington
No classification provided (evidence only). Condition: Breast-ovarian cancer, familial 1. Review status: no classification provided. Collection method: in vitro. Allele origin: not applicable. Functional consequence: function_uncertain_variant. Not counted in ClinVar's aggregate classification.
ClinVar note: "not provided" was previously submitted as the classification for the variant. However, the classification appeared to be based only on an observation of functional data so it was converted to no classification on 2025-07-30.

Literature cited by the submitters: PubMed 30209399 (cited by Labcorp Genetics (formerly Invitae), Labcorp and Quest Diagnostics Nichols Institute San Juan Capistrano); PubMed 17576681 (cited by Labcorp Genetics (formerly Invitae), Labcorp); PubMed 9536098 (cited by Labcorp Genetics (formerly Invitae), Labcorp); PubMed 30101128 (cited by Quest Diagnostics Nichols Institute San Juan Capistrano).